The following is an entry in ClinVar:

NM_002303.6(LEPR):c.2819T>C (p.Val940Ala)

Gene: LEPR (leptin receptor; plus strand). Cytogenetic location: 1p31.3.
Variant type: single nucleotide variant.
Coding change: c.2819T>C on transcript NM_002303.6 (MANE Select); coding-DNA position 2819, T replaced by C.
Protein change: p.Val940Ala; replaces valine 940 with alanine.
Molecular consequence: missense variant.
Genome position (GRCh38, 1-based): chr1:65,636,336, T>C. VCF-style: chr1-65636336-T-C. GRCh37 (hg19) VCF-style: chr1-66102019-T-C.
Other names: short protein forms V940A.
Identifiers: ClinVar variation 4977527 (VCV004977527.1).

ClinVar aggregate classification (germline): Uncertain significance (1 of 4 stars; one submission).

Conditions:
LEPR-related disorder. Also called: LEPR-related condition; LEPR-related disorders.

gnomAD v4.1: 36 of 1,614,066 alleles (0.0022%); highest among the groups gnomAD compares: South Asian, 0.033%; no homozygotes.

Submission:

PreventionGenetics, part of Exact Sciences
Classification: Uncertain significance for LEPR-related condition. Last evaluated: 2025-03-19. Review status: criteria provided, single submitter. Criteria: ACMG Guidelines, 2015. Collection method: clinical testing. Allele origin: germline.
Comment: The LEPR c.2819T>C variant is predicted to result in the amino acid substitution p.Val940Ala. This variant was observed in a cohort of individuals with obesity, and in vitro functional studies showed function similar to wild-type levels (Supplemental Data Set, Shah et al. 2023. PubMed ID: 36864747). This variant is reported in 0.046% of alleles in individuals of South Asian descent in gnomAD. At this time, the clinical significance of this variant is uncertain due to the absence of conclusive functional and genetic evidence.